The following is an entry in ClinVar:

NM_001190417.2(ZNF674):c.884G>A (p.Arg295Gln)

Gene: ZNF674 (zinc finger protein 674; minus strand). Cytogenetic location: Xp11.3.
Variant type: single nucleotide variant.
Coding change: c.884G>A on transcript NM_001190417.2 (MANE Select); coding-DNA position 884, G replaced by A.
Protein change: p.Arg295Gln; replaces arginine 295 with glutamine.
Molecular consequence: missense variant.
Genome position (GRCh38, 1-based): chrX:46,500,690, C>T on the plus strand (G>A on the coding strand, the complement: ZNF674 is on the minus strand). VCF-style: chrX-46500690-C-T. GRCh37 (hg19) VCF-style: chrX-46360125-C-T.
Other names: c.899G>A, p.Arg300Gln (NM_001039891.3); c.881G>A, p.Arg294Gln (NM_001146291.2); short protein forms R300Q, R294Q, R295Q.
Identifiers: ClinVar variation 93485 (VCV000093485.17), dbSNP rs187237351, ClinGen allele CA147007.

ClinVar aggregate classification (germline): Benign. Review status: criteria provided, multiple submitters, no conflicts (2 of 4 stars). 5 submissions from 5 submitters: Benign (4). 1 of the submissions does not count toward it. Last evaluated 2019-12-31.

Conditions:
ZNF674-related disorder. Also called: ZNF674-related condition.

Allele frequency attached by ClinVar (database versions not stated): gnomAD exomes 0.00109 and 0.00044; 1000 Genomes Project 0.00503; gnomAD 0.00450 and 0.00473; 1000 Genomes Project 30x 0.00562; TOPMed 0.00544; ExAC 0.00140; ESP Exome Variant Server 0.00410.
gnomAD v4.1: 999 of 1,210,281 alleles (0.083%); highest among the groups gnomAD compares: African/African-American, 1.5%; 8 homozygotes.

Submissions (5):

Labcorp Genetics (formerly Invitae), Labcorp
Classification: Benign. Last evaluated: 2019-12-31. Review status: criteria provided, single submitter. Criteria: Invitae Variant Classification Sherloc (09022015). Collection method: clinical testing. Allele origin: germline.

Ambry Genetics
Classification: Benign. Last evaluated: 2015-07-16. Review status: criteria provided, single submitter. Criteria: Ambry Variant Classification Scheme 2023. Collection method: clinical testing. Allele origin: germline.

Eurofins Ntd Llc (ga)
Classification: Benign. Last evaluated: 2013-05-02. Review status: criteria provided, single submitter. Criteria: EGL Classification Definitions 2015. Collection method: clinical testing. Allele origin: germline. Observed: 1 variant allele, 1 hemizygote.

Breakthrough Genomics
Classification: Benign. Review status: criteria provided, single submitter. Criteria: ACMG Guidelines, 2015. Collection method: not provided. Allele origin: germline. Inheritance: Unknown mechanism. Affected: yes.

PreventionGenetics, part of Exact Sciences
Classification: Benign for ZNF674-related condition. Last evaluated: 2019-06-27. Review status: no assertion criteria provided. Collection method: clinical testing. Allele origin: germline. Not counted in ClinVar's aggregate classification.
Comment: This variant is classified as benign based on ACMG/AMP sequence variant interpretation guidelines (Richards et al. 2015 PMID: 25741868, with internal and published modifications).